The following is an entry in ClinVar:

NM_004813.4(PEX16):c.1001G>A (p.Ser334Asn)

Gene: PEX16 (peroxisomal biogenesis factor 16; minus strand). Cytogenetic location: 11p11.2.
Variant type: single nucleotide variant.
Coding change: c.1001G>A on transcript NM_004813.4 (MANE Select); coding-DNA position 1001, G replaced by A.
Protein change: p.Ser334Asn; replaces serine 334 with asparagine.
Molecular consequence: missense variant. On other transcripts: intron variant (1).
Genome position (GRCh38, 1-based): chr11:45,910,264, C>T on the plus strand (G>A on the coding strand, the complement: PEX16 is on the minus strand). VCF-style: chr11-45910264-C-T. GRCh37 (hg19) VCF-style: chr11-45931815-C-T.
Other names: c.953-87G>A (NM_057174.3); c.1001G>A (NM_004813.2); short protein forms S334N.
Identifiers: ClinVar variation 2177877 (VCV002177877.2), dbSNP rs2086762416, ClinGen allele CA380223159.
Genomic context (GRCh38, chr11:45,910,264, plus strand): 5'-GAGGGGCTCCCTGCCCCACCCCTCCCCACACCCTCCTTCCGGGAGGTCTGTCAGCCCCAA[C>T]TGTAGAAGTAGATTTTCTGCCAGGTGGGCAAGTAATCCATGAGCGGCCCTGCAGTGGGAG-3'
Protein context (NP_004804.2, residues 324-336): LPTWQKIYFY[Ser334Asn]WG

ClinVar aggregate classification (germline): Uncertain significance. Review status: criteria provided, multiple submitters, no conflicts (2 of 4 stars). 2 submissions from 2 submitters: Uncertain significance (2). Last evaluated 2024-06-28.

Conditions:
Peroxisome biogenesis disorder. Identifiers: Orphanet 79189, MedGen C1832200, MONDO:0019234. Disease mechanism: loss of function.
Inborn genetic diseases. Identifiers: MedGen C0950123, MeSH D030342.

gnomAD v4.1: 2 of 1,613,606 alleles (0.00012%); highest among the groups gnomAD compares: South Asian, 0.0011%; no homozygotes.

Submissions (2):

Ambry Genetics
Classification: Uncertain significance for Inborn genetic diseases. Last evaluated: 2024-06-28. Review status: criteria provided, single submitter. Criteria: Ambry Variant Classification Scheme 2023. Collection method: clinical testing. Allele origin: germline.

Labcorp Genetics (formerly Invitae), Labcorp
Classification: Uncertain significance for Peroxisome biogenesis disorder. Last evaluated: 2022-05-22. Review status: criteria provided, single submitter. Criteria: Invitae Variant Classification Sherloc (09022015). Collection method: clinical testing. Allele origin: germline.
Comment: This sequence change replaces serine, which is neutral and polar, with asparagine, which is neutral and polar, at codon 334 of the PEX16 protein (p.Ser334Asn). This variant is not present in population databases (gnomAD no frequency). This variant has not been reported in the literature in individuals affected with PEX16-related conditions. Algorithms developed to predict the effect of missense changes on protein structure and function (SIFT, PolyPhen-2, Align-GVGD) all suggest that this variant is likely to be tolerated. In summary, the available evidence is currently insufficient to determine the role of this variant in disease. Therefore, it has been classified as a Variant of Uncertain Significance.